The following is an entry in ClinVar:

NM_020207.7(ERCC6L2):c.3575C>G (p.Pro1192Arg)

Gene: ERCC6L2 (ERCC excision repair 6 like 2; plus strand). Cytogenetic location: 9q22.32.
Variant type: single nucleotide variant.
Coding change: c.3575C>G on transcript NM_020207.7 (MANE Select); coding-DNA position 3575, C replaced by G.
Protein change: p.Pro1192Arg; replaces proline 1192 with arginine.
Molecular consequence: missense variant. On other transcripts: non-coding transcript variant (1).
Genome position (GRCh38, 1-based): chr9:96,004,602, C>G. VCF-style: chr9-96004602-C-G. GRCh37 (hg19) VCF-style: chr9-98766884-C-G.
Other names: c.3575C>G, p.Pro1192Arg (NM_001375291.1, NM_001375292.1); short protein forms P1192R.
Identifiers: ClinVar variation 2110539 (VCV002110539.2), dbSNP rs2490734222, ClinGen allele CA466116539.

ClinVar aggregate classification (germline): Uncertain significance (1 of 4 stars; one submission).

Allele frequency attached by ClinVar (database versions not stated): gnomAD exomes below 0.00001.
gnomAD v4.1: 1 of 1,316,352 alleles (0.000076%); highest among the groups gnomAD compares: Non-Finnish European, 0.0001%; no homozygotes.

Submission:

Labcorp Genetics (formerly Invitae), Labcorp
Classification: Uncertain significance. Last evaluated: 2025-09-20. Review status: criteria provided, single submitter. Criteria: Invitae Variant Classification Sherloc (09022015). Collection method: clinical testing. Allele origin: germline.
Comment: This sequence change replaces proline, which is neutral and non-polar, with arginine, which is basic and polar, at codon 1203 of the ERCC6L2 protein (p.Pro1203Arg). This variant is not present in population databases (gnomAD no frequency). This variant has not been reported in the literature in individuals affected with ERCC6L2-related conditions. ClinVar contains an entry for this variant (Variation ID: 2110539). Experimental studies and prediction algorithms are not available or were not evaluated, and the functional significance of this variant is currently unknown. In summary, the available evidence is currently insufficient to determine the role of this variant in disease. Therefore, it has been classified as a Variant of Uncertain Significance.